The following is an entry in ClinVar:

NM_201384.3(PLEC):c.8139C>T (p.Tyr2713=)

Gene: PLEC (plectin; minus strand). Cytogenetic location: 8q24.3.
Variant type: single nucleotide variant.
Coding change: c.8139C>T on transcript NM_201384.3 (MANE Select); coding-DNA position 8139, C replaced by T.
Protein change: p.Tyr2713=; no amino-acid change (tyrosine 2713 retained).
Molecular consequence: synonymous variant.
Genome position (GRCh38, 1-based): chr8:143,921,682, G>A on the plus strand (C>T on the coding strand, the complement: PLEC is on the minus strand). VCF-style: chr8-143921682-G-A. GRCh37 (hg19) VCF-style: chr8-144995850-G-A.
Other names: c.8220C>T, p.Tyr2740= (NM_000445.5); c.8097C>T, p.Tyr2699= (NM_201378.4); c.8073C>T, p.Tyr2691= (NM_201379.3); c.8550C>T, p.Tyr2850= (NM_201380.4); c.8043C>T, p.Tyr2681= (NM_201381.3); c.8139C>T, p.Tyr2713= (NM_201382.4); c.8151C>T, p.Tyr2717= (NM_201383.3).
Identifiers: ClinVar variation 706971 (VCV000706971.8), dbSNP rs781855337, ClinGen allele CA4925411.

ClinVar aggregate classification (germline): Likely benign. Review status: criteria provided, multiple submitters, no conflicts (2 of 4 stars). 2 submissions from 2 submitters: Likely benign (2). Last evaluated 2026-06-29.

Conditions:
PLEC-related disorder. Also called: PLEC-related disorders; PLEC-related condition.
Epidermolysis bullosa simplex with nail dystrophy (EBS5D). Identifiers: MedGen C4225309, MONDO:0014661, OMIM 616487.
Epidermolysis bullosa simplex 5B, with muscular dystrophy (EBS5B). Also called: Epidermolysis bullosa simplex with muscular dystrophy; EPIDERMOLYSIS BULLOSA SIMPLEX AND LIMB-GIRDLE MUSCULAR DYSTROPHY. Identifiers: Orphanet 257, MedGen C2931072, MONDO:0009181, OMIM 226670.
Autosomal recessive limb-girdle muscular dystrophy type 2Q (LGMDR17). Also called: MUSCULAR DYSTROPHY, LIMB-GIRDLE, AUTOSOMAL RECESSIVE 17. Identifiers: Orphanet 254361, MedGen C3150989, MONDO:0013390, OMIM 613723.
Epidermolysis bullosa simplex 5C, with pyloric atresia (EBS5C). Also called: PLEC-Related Epidermolysis Bullosa with Pyloric Atresia; Epidermolysis bullosa simplex with pyloric atresia; PLEC1-Related Epidermolysis Bullosa with Pyloric Atresia. Identifiers: Orphanet 158684, MedGen C2677349, MONDO:0012807, OMIM 612138.
Epidermolysis bullosa simplex, Ogna type (EBS5A). Also called: Pidermolysis bullosa simplex 5A, Ogna type; EPIDERMOLYSIS BULLOSA SIMPLEX 5A, OGNA TYPE. Identifiers: Orphanet 79401, MedGen C0432317, MONDO:0007555, OMIM 131950.

Allele frequency attached by ClinVar (database versions not stated): gnomAD 0.00001; TOPMed 0.00002; ExAC 0.00003; gnomAD exomes 0.00004.
gnomAD v4.1: 25 of 1,613,054 alleles (0.0015%); highest among the groups gnomAD compares: Middle Eastern, 0.016%; no homozygotes.

Submissions (2):

PreventionGenetics, part of Exact Sciences
Classification: Likely benign for PLEC-related condition. Last evaluated: 2026-06-29. Review status: criteria provided, single submitter. Criteria: ACMG Guidelines, 2015. Collection method: clinical testing. Allele origin: germline.
Comment: This variant is classified as likely benign based on ACMG/AMP sequence variant interpretation guidelines (Richards et al. 2015 PMID: 25741868, with internal and published modifications).

Labcorp Genetics (formerly Invitae), Labcorp
Classification: Likely benign for Autosomal recessive limb-girdle muscular dystrophy type 2Q; Epidermolysis bullosa simplex, Ogna type; Epidermolysis bullosa simplex with nail dystrophy; Epidermolysis bullosa simplex 5C, with pyloric atresia; Epidermolysis bullosa simplex 5B, with muscular dystrophy. Last evaluated: 2025-10-15. Review status: criteria provided, single submitter. Criteria: Invitae Variant Classification Sherloc (09022015). Collection method: clinical testing. Allele origin: germline.